The following is an entry in ClinVar:

ClinVar aggregate classification (germline): Uncertain significance. Review status: criteria provided, multiple submitters, no conflicts (2 of 4 stars). 2 submissions from 2 submitters: Uncertain significance (2). Last evaluated 2025-08-27.

Conditions:
Hereditary cancer-predisposing syndrome. Also called: Neoplastic Syndromes, Hereditary; Hereditary Cancer Syndrome; Hereditary neoplastic syndrome; Tumor predisposition. Identifiers: Orphanet 140162, MedGen C0027672, MeSH D009386, MONDO:0015356.
Familial adenomatous polyposis 2. Also called: MUTYH-associated polyposis; MUTYH-related attenuated familial adenomatous polyposis; COLORECTAL ADENOMATOUS POLYPOSIS, AUTOSOMAL RECESSIVE; ADENOMAS, MULTIPLE COLORECTAL, AUTOSOMAL RECESSIVE; FAP type 2; MUTYH Polyposis. Identifiers: Orphanet 220460, Orphanet 247798, MedGen C3272841, MONDO:0012041, OMIM 608456.

Submissions (2):

Ambry Genetics
Classification: Uncertain significance for Hereditary cancer-predisposing syndrome. Last evaluated: 2025-08-27. Review status: criteria provided, single submitter. Criteria: Ambry Variant Classification Scheme 2023. Collection method: clinical testing. Allele origin: germline.
Comment: The p.L318V variant (also known as c.952T>G), located in coding exon 11 of the MUTYH gene, results from a T to G substitution at nucleotide position 952. The leucine at codon 318 is replaced by valine, an amino acid with highly similar properties. This amino acid position is conserved. In addition, this alteration is predicted to be tolerated by in silico analysis. Based on the available evidence, the clinical significance of this variant remains unclear.

Labcorp Genetics (formerly Invitae), Labcorp
Classification: Uncertain significance for Familial adenomatous polyposis 2. Last evaluated: 2024-06-04. Review status: criteria provided, single submitter. Criteria: Invitae Variant Classification Sherloc (09022015). Collection method: clinical testing. Allele origin: germline.
Comment: This sequence change replaces leucine, which is neutral and non-polar, with valine, which is neutral and non-polar, at codon 318 of the MUTYH protein (p.Leu318Val). This variant is not present in population databases (gnomAD no frequency). This variant has not been reported in the literature in individuals affected with MUTYH-related conditions. ClinVar contains an entry for this variant (Variation ID: 1515612). Algorithms developed to predict the effect of missense changes on protein structure and function output the following: SIFT: "Not Available"; PolyPhen-2: "Benign"; Align-GVGD: "Not Available". The valine amino acid residue is found in multiple mammalian species, which suggests that this missense change does not adversely affect protein function. In summary, the available evidence is currently insufficient to determine the role of this variant in disease. Therefore, it has been classified as a Variant of Uncertain Significance.

NM_001048174.2(MUTYH):c.868T>G (p.Leu290Val)

Gene: MUTYH (mutY DNA glycosylase; minus strand). Cytogenetic location: 1p34.1.
Variant type: single nucleotide variant.
Coding change: c.868T>G on transcript NM_001048174.2 (MANE Select); coding-DNA position 868, T replaced by G.
Protein change: p.Leu290Val; replaces leucine 290 with valine.
Molecular consequence: missense variant. On other transcripts: non-coding transcript variant (2).
Genome position (GRCh38, 1-based): chr1:45,332,068, A>C on the plus strand (T>G on the coding strand, the complement: MUTYH is on the minus strand). VCF-style: chr1-45332068-A-C. GRCh37 (hg19) VCF-style: chr1-45797740-A-C.
Other names: c.952T>G (NM_001128425.1); c.868T>G, p.Leu290Val (NM_001048171.2, NM_001048173.2, NM_001293195.2); c.871T>G, p.Leu291Val (NM_001048172.2); c.952T>G, p.Leu318Val (NM_001128425.2); c.913T>G, p.Leu305Val (NM_001293190.2); c.901T>G, p.Leu301Val (NM_001293191.2); c.592T>G, p.Leu198Val (NM_001293192.2, NM_001293196.2); c.523T>G, p.Leu175Val (NM_001350650.2, NM_001350651.2); and 1 more; short protein forms L175V, L198V, L315V, L318V, L290V, L291V, L301V, L305V.
Identifiers: ClinVar variation 1515612 (VCV001515612.7), dbSNP rs2149134539, ClinGen allele CA340134174.